The following is an entry in ClinVar:

NM_019842.4(KCNQ5):c.1248-3570T>C

Gene: KCNQ5 (potassium voltage-gated channel subfamily Q member 5; plus strand). Cytogenetic location: 6q13.
Variant type: single nucleotide variant.
Coding change: c.1248-3570T>C on transcript NM_019842.4 (MANE Select); 3570 bases into the intron before coding-DNA position 1248, T replaced by C.
Molecular consequence: intron variant. On other transcripts: splice donor variant (2).
Genome position (GRCh38, 1-based): chr6:73,129,851, T>C. VCF-style: chr6-73129851-T-C. GRCh37 (hg19) VCF-style: chr6-73839574-T-C.
Other names: c.1304+2T>C (NM_001160133.2); c.1247+5339T>C (NM_001160134.2); c.1277+2T>C (NM_001160132.2); c.1221-3570T>C (NM_001160130.2).
Identifiers: ClinVar variation 3019100 (VCV003019100.3), dbSNP rs1207661388, ClinGen allele CA364827702.

ClinVar aggregate classification (germline): Likely pathogenic (1 of 4 stars; one submission).

Allele frequency attached by ClinVar (database versions not stated): gnomAD exomes below 0.00001.
gnomAD v4.1: 2 of 1,611,578 alleles (0.00012%); highest among the groups gnomAD compares: Non-Finnish European, 0.00017%; no homozygotes.

Submission:

Labcorp Genetics (formerly Invitae), Labcorp
Classification: Likely pathogenic. Last evaluated: 2023-07-25. Review status: criteria provided, single submitter. Criteria: Invitae Variant Classification Sherloc (09022015). Collection method: clinical testing. Allele origin: germline.
Comment: This sequence change affects a donor splice site in intron 10 of the KCNQ5 gene. It is expected to disrupt RNA splicing. Variants that disrupt the donor or acceptor splice site typically lead to a loss of protein function (PMID: 16199547), and loss-of-function variants in KCNQ5 are known to be pathogenic (PMID: 28669405, 35583973, 36088682). This variant is present in population databases (no rsID available, gnomAD 0.0009%). This variant has not been reported in the literature in individuals affected with KCNQ5-related conditions. In summary, the currently available evidence indicates that the variant is pathogenic, but additional data are needed to prove that conclusively. Therefore, this variant has been classified as Likely Pathogenic.

Literature cited by the submitters: PubMed 16199547; PubMed 28669405; PubMed 35583973; PubMed 36088682.